The following is an entry in ClinVar:

ClinVar aggregate classification (germline): Uncertain significance (1 of 4 stars; one submission).

Conditions:
Chédiak-Higashi syndrome (CHS). Also called: Chediak-Higashi Syndrome. Identifiers: Orphanet 167, MedGen C0007965, MONDO:0008963, OMIM 214500.

Allele frequency attached by ClinVar (database versions not stated): gnomAD exomes below 0.00001.
gnomAD v4.1: 1 of 1,614,056 alleles (0.000062%); highest among the groups gnomAD compares: Non-Finnish European, 0.000085%; no homozygotes.

Submission:

Labcorp Genetics (formerly Invitae), Labcorp
Classification: Uncertain significance for Chédiak-Higashi syndrome. Last evaluated: 2021-07-14. Review status: criteria provided, single submitter. Criteria: Invitae Variant Classification Sherloc (09022015). Collection method: clinical testing. Allele origin: germline.
Comment: In summary, the available evidence is currently insufficient to determine the role of this variant in disease. Therefore, it has been classified as a Variant of Uncertain Significance. This sequence change replaces threonine with isoleucine at codon 3501 of the LYST protein (p.Thr3501Ile). The threonine residue is moderately conserved and there is a moderate physicochemical difference between threonine and isoleucine. This variant is not present in population databases (ExAC no frequency). This variant has not been reported in the literature in individuals affected with LYST-related conditions. Algorithms developed to predict the effect of missense changes on protein structure and function are either unavailable or do not agree on the potential impact of this missense change (SIFT: "Deleterious"; PolyPhen-2: "Probably Damaging"; Align-GVGD: "Class C0").

NM_000081.4(LYST):c.10502C>T (p.Thr3501Ile)

Gene: LYST (lysosomal trafficking regulator; minus strand). Cytogenetic location: 1q42.3.
Variant type: single nucleotide variant.
Coding change: c.10502C>T on transcript NM_000081.4 (MANE Select); coding-DNA position 10502, C replaced by T.
Protein change: p.Thr3501Ile; replaces threonine 3501 with isoleucine.
Molecular consequence: missense variant.
Genome position (GRCh38, 1-based): chr1:235,697,145, G>A on the plus strand (C>T on the coding strand, the complement: LYST is on the minus strand). VCF-style: chr1-235697145-G-A. GRCh37 (hg19) VCF-style: chr1-235860445-G-A.
Other names: c.10502C>T, p.Thr3501Ile (NM_001301365.1); short protein forms T3501I.
Identifiers: ClinVar variation 1405676 (VCV001405676.7), dbSNP rs2527284640, ClinGen allele CA344928978.
Genomic context (GRCh38, chr1:235,697,145, plus strand): 5'-TGTTCCTTGCTATATGTCATCAGAAGACAGAAATTCCGTGACAAACCACAGATTGCTCTG[G>A]TGGGCAGAGCCTGGAGAGAGCCAAATCTTTCTCCGTGGGGCTGGCTGAAGCAGACCACAG-3'
Protein context (NP_000072.2, residues 3491-3511): ERFGSLQALP[Thr3501Ile]RAICGLSRNF